The following is an entry in ClinVar:

ClinVar aggregate classification (germline): Uncertain significance (1 of 4 stars; one submission).

Conditions:
Muscular dystrophy-dystroglycanopathy (congenital with brain and eye anomalies), type A13. Also called: WALKER-WARBURG SYNDROME OR MUSCLE-EYE-BRAIN DISEASE, B3GNT1-RELATED; Muscular dystrophy-dystroglycanopathy (congenital with brain and eye anomalies), type a, 13. Identifiers: Orphanet 899, MedGen C3809042, MONDO:0014120, OMIM 615287.

Allele frequency attached by ClinVar (database versions not stated): TOPMed below 0.00001; gnomAD 0.00001.
gnomAD v4.1: 1 of 1,613,488 alleles (0.000062%); highest among the groups gnomAD compares: Non-Finnish European, 0.000085%; no homozygotes.

Submission:

Labcorp Genetics (formerly Invitae), Labcorp
Classification: Uncertain significance for Muscular dystrophy-dystroglycanopathy (congenital with brain and eye anomalies), type A13. Last evaluated: 2021-01-22. Review status: criteria provided, single submitter. Criteria: Invitae Variant Classification Sherloc (09022015). Collection method: clinical testing. Allele origin: germline.
Comment: This variant is not present in population databases (ExAC no frequency). In summary, the available evidence is currently insufficient to determine the role of this variant in disease. Therefore, it has been classified as a Variant of Uncertain Significance. Algorithms developed to predict the effect of missense changes on protein structure and function (SIFT, PolyPhen-2, Align-GVGD) all suggest that this variant is likely to be tolerated, but these predictions have not been confirmed by published functional studies and their clinical significance is uncertain. This variant has not been reported in the literature in individuals with B4GAT1-related conditions. This sequence change replaces glutamic acid with lysine at codon 364 of the B4GAT1 protein (p.Glu364Lys). The glutamic acid residue is moderately conserved and there is a small physicochemical difference between glutamic acid and lysine.

NM_006876.3(B4GAT1):c.1090G>A (p.Glu364Lys)

Gene: B4GAT1 (beta-1,4-glucuronyltransferase 1; minus strand). Cytogenetic location: 11q13.2.
Variant type: single nucleotide variant.
Coding change: c.1090G>A on transcript NM_006876.3 (MANE Select); coding-DNA position 1090, G replaced by A.
Protein change: p.Glu364Lys; replaces glutamic acid 364 with lysine.
Molecular consequence: missense variant.
Genome position (GRCh38, 1-based): chr11:66,346,207, C>T on the plus strand (G>A on the coding strand, the complement: B4GAT1 is on the minus strand). VCF-style: chr11-66346207-C-T. GRCh37 (hg19) VCF-style: chr11-66113678-C-T.
Other names: short protein forms E364K.
Identifiers: ClinVar variation 1404947 (VCV001404947.8), dbSNP rs765579855, ClinGen allele CA381416979.